The following is an entry in ClinVar:

ClinVar aggregate classification (germline): Uncertain significance (1 of 4 stars; one submission).

Conditions:
RYR1-related disorder. Also called: RYR1-related condition; RYR1-related disorders. Identifiers: MedGen CN239331.

Submission:

Labcorp Genetics (formerly Invitae), Labcorp
Classification: Uncertain significance for RYR1-related disorder. Last evaluated: 2025-12-31. Review status: criteria provided, single submitter. Criteria: Invitae Variant Classification Sherloc (09022015). Collection method: clinical testing. Allele origin: germline.
Comment: This sequence change replaces alanine, which is neutral and non-polar, with glutamic acid, which is acidic and polar, at codon 4270 of the RYR1 protein (p.Ala4270Glu). This variant is not present in population databases (gnomAD no frequency). This variant has not been reported in the literature in individuals affected with RYR1-related conditions. Invitae Evidence Modeling of protein sequence and biophysical properties (such as structural, functional, and spatial information, amino acid conservation, physicochemical variation, residue mobility, and thermodynamic stability) indicates that this missense variant is not expected to disrupt RYR1 protein function with a negative predictive value of 80%. In summary, the available evidence is currently insufficient to determine the role of this variant in disease. Therefore, it has been classified as a Variant of Uncertain Significance.

NM_000540.3(RYR1):c.12809C>A (p.Ala4270Glu)

Gene: RYR1 (ryanodine receptor 1; plus strand). Cytogenetic location: 19q13.2.
Variant type: single nucleotide variant.
Coding change: c.12809C>A on transcript NM_000540.3 (MANE Select); coding-DNA position 12809, C replaced by A.
Protein change: p.Ala4270Glu; replaces alanine 4270 with glutamic acid.
Molecular consequence: missense variant.
Genome position (GRCh38, 1-based): chr19:38,565,143, C>A. VCF-style: chr19-38565143-C-A. GRCh37 (hg19) VCF-style: chr19-39055783-C-A.
Other names: c.12794C>A, p.Ala4265Glu (NM_001042723.2); short protein forms A4265E, A4270E.
Identifiers: ClinVar variation 4810181 (VCV004810181.1).